The following is an entry in ClinVar:

NM_014140.4(SMARCAL1):c.1700C>A (p.Pro567Gln)

Gene: SMARCAL1 (SNF2 related chromatin remodeling annealing helicase 1; plus strand). Cytogenetic location: 2q35.
Variant type: single nucleotide variant.
Coding change: c.1700C>A on transcript NM_014140.4 (MANE Select); coding-DNA position 1700, C replaced by A.
Protein change: p.Pro567Gln; replaces proline 567 with glutamine.
Molecular consequence: missense variant.
Genome position (GRCh38, 1-based): chr2:216,438,475, C>A. VCF-style: chr2-216438475-C-A. GRCh37 (hg19) VCF-style: chr2-217303198-C-A.
Other names: c.1700C>A, p.Pro567Gln (NM_001127207.2); short protein forms P567Q.
Identifiers: ClinVar variation 2420463 (VCV002420463.4), dbSNP rs775206136, ClinGen allele CA350501371.
Genomic context (GRCh38, chr2:216,438,475, plus strand): 5'-TTCAGGATGAATCTCACTTCCTCAAAAACAGTAGGACTGCCCGCTGTCGAGCAGCTATGC[C>A]GGTCCTAAAGGTGAGTACTTCTGAGAACTGAGCCCACTGAGCATTGGCATCCCATAATAT-3'
Protein context (NP_054859.2, residues 557-577): SRTARCRAAM[Pro567Gln]VLKVAKRVIL

ClinVar aggregate classification (germline): Uncertain significance. Review status: criteria provided, multiple submitters, no conflicts (2 of 4 stars). 2 submissions from 2 submitters: Uncertain significance (2). Last evaluated 2025-08-05.

Conditions:
Inborn genetic diseases. Identifiers: MedGen C0950123, MeSH D030342.
Schimke immuno-osseous dysplasia (SIOD). Also called: Schimke Immunoosseous Dysplasia. Identifiers: Orphanet 1830, MedGen C0877024, MONDO:0009458, OMIM 242900.

gnomAD v4.1: 1 of 1,613,738 alleles (0.000062%); highest among the groups gnomAD compares: Admixed American, 0.0017%; no homozygotes.

Submissions (2):

Ambry Genetics
Classification: Uncertain significance for Inborn genetic diseases. Last evaluated: 2025-08-05. Review status: criteria provided, single submitter. Criteria: Ambry Variant Classification Scheme 2023. Collection method: clinical testing. Allele origin: germline.

Labcorp Genetics (formerly Invitae), Labcorp
Classification: Uncertain significance for Schimke immuno-osseous dysplasia. Last evaluated: 2022-01-07. Review status: criteria provided, single submitter. Criteria: Invitae Variant Classification Sherloc (09022015). Collection method: clinical testing. Allele origin: germline.
Comment: This sequence change replaces proline, which is neutral and non-polar, with glutamine, which is neutral and polar, at codon 567 of the SMARCAL1 protein (p.Pro567Gln). This variant is not present in population databases (gnomAD no frequency). This variant has not been reported in the literature in individuals affected with SMARCAL1-related conditions. Algorithms developed to predict the effect of missense changes on protein structure and function are either unavailable or do not agree on the potential impact of this missense change (SIFT: "Tolerated"; PolyPhen-2: "Probably Damaging"; Align-GVGD: "Class C0"). In summary, the available evidence is currently insufficient to determine the role of this variant in disease. Therefore, it has been classified as a Variant of Uncertain Significance.